The following is an entry in ClinVar:

NM_017952.6(PTCD3):c.1514G>A (p.Arg505Gln)

Gene: PTCD3 (pentatricopeptide repeat domain 3; plus strand). Cytogenetic location: 2p11.2.
Variant type: single nucleotide variant.
Coding change: c.1514G>A on transcript NM_017952.6 (MANE Select); coding-DNA position 1514, G replaced by A.
Protein change: p.Arg505Gln; replaces arginine 505 with glutamine.
Molecular consequence: missense variant.
Genome position (GRCh38, 1-based): chr2:86,133,407, G>A. VCF-style: chr2-86133407-G-A. GRCh37 (hg19) VCF-style: chr2-86360530-G-A.
Other names: short protein forms R505Q.
Identifiers: ClinVar variation 3220589 (VCV003220589.2), dbSNP rs199858981, ClinGen allele CA1747527.

ClinVar aggregate classification (germline): Uncertain significance. Review status: criteria provided, multiple submitters, no conflicts (2 of 4 stars). 2 submissions from 2 submitters: Uncertain significance (2). Last evaluated 2026-08-06.

Conditions:
Combined oxidative phosphorylation deficiency 51. Identifiers: MedGen C5436703, MONDO:0033631, OMIM 619057.
Inborn genetic diseases. Identifiers: MedGen C0950123, MeSH D030342.

Allele frequency attached by ClinVar (database versions not stated): gnomAD 0.00007; TOPMed 0.00012; 1000 Genomes Project 0.00040; gnomAD exomes 0.00008; 1000 Genomes Project 30x 0.00047; ExAC 0.00007.
gnomAD v4.1: 130 of 1,614,048 alleles (0.0081%); highest among the groups gnomAD compares: Middle Eastern, 0.082%; no homozygotes.

Submissions (2):

OLLIN Analises Genomicas, OLLIN
Classification: Uncertain significance for Combined oxidative phosphorylation deficiency 51. Last evaluated: 2026-08-06. Review status: criteria provided, single submitter. Criteria: ACMG Guidelines 2015 PMID 25741868. Collection method: clinical testing. Allele origin: germline. Inheritance: Autosomal recessive inheritance.
Comment: This missense variant, located in exon 19 (of 24), has been reported in ClinVar (accession VCV003220589.1) and in gnomAD with an allele frequency of 0.00805%. However, to our knowledge, it has not been reported in the scientific literature. In silico analysis predicts that this variant has a tolerated effect. According to the currently available evidence, this variant has been classified as uncertain significance (PM2_P, BP4_M).

Ambry Genetics
Classification: Uncertain significance for Inborn genetic diseases. Last evaluated: 2024-01-30. Review status: criteria provided, single submitter. Criteria: Ambry Variant Classification Scheme 2023. Collection method: clinical testing. Allele origin: germline.